The following is an entry in ClinVar:

ClinVar aggregate classification (germline): Likely benign (1 of 4 stars; one submission).

Submission:

CeGaT Center for Human Genetics Tuebingen
Classification: Likely benign. Last evaluated: 2023-11-01. Review status: criteria provided, single submitter. Criteria: CeGaT Center For Human Genetics Tuebingen Variant Classification Criteria Version 2. Collection method: clinical testing. Allele origin: germline. Affected: yes. Observed: 1 variant allele.
Comment: IGFN1: BP4, BP7

NM_001164586.2(IGFN1):c.5604C>T (p.Ser1868=)

Gene: IGFN1 (immunoglobulin like and fibronectin type III domain containing 1; plus strand). Cytogenetic location: 1q32.1.
Variant type: single nucleotide variant.
Coding change: c.5604C>T on transcript NM_001164586.2 (MANE Select); coding-DNA position 5604, C replaced by T.
Protein change: p.Ser1868=; no amino-acid change (serine 1868 retained).
Molecular consequence: synonymous variant. On other transcripts: intron variant (1).
Genome position (GRCh38, 1-based): chr1:201,210,497, C>T. VCF-style: chr1-201210497-C-T. GRCh37 (hg19) VCF-style: chr1-201179625-C-T.
Other names: c.1242-3009C>T (NM_001367841.1).
Identifiers: ClinVar variation 2672378 (VCV002672378.23), dbSNP rs1346649377, ClinGen allele CA422818730.